The following is an entry in ClinVar:

NM_004287.5(GOSR2):c.337-5C>G

Genes: GOSR2 (golgi SNAP receptor complex member 2; plus strand), LRRC37A2 (leucine rich repeat containing 37 member A2). Cytogenetic location: 17q21.32.
Variant type: single nucleotide variant.
Coding change: c.337-5C>G on transcript NM_004287.5 (MANE Select); 5 bases into the intron before coding-DNA position 337, C replaced by G.
Molecular consequence: intron variant.
Genome position (GRCh38, 1-based): chr17:46,935,024, C>G. VCF-style: chr17-46935024-C-G. GRCh37 (hg19) VCF-style: chr17-45012390-C-G.
Other names: c.337-5C>G (NM_001321133.2, NM_054022.4, NM_001012511.3); c.283-5C>G (NM_001363851.2); c.282+2825C>G (NM_001321134.2); c.336+2825C>G (NM_001330252.2); c.334-5C>G (NM_001353114.2); c.333+2825C>G (NM_001353115.2, NM_001353116.2).
Identifiers: ClinVar variation 5017300 (VCV005017300.1).

ClinVar aggregate classification (germline): Uncertain significance (1 of 4 stars; one submission).

Submission:

GeneDx
Classification: Uncertain significance. Last evaluated: 2026-03-27. Review status: criteria provided, single submitter. Criteria: GeneDx Variant Classification Process June 2021. Collection method: clinical testing. Allele origin: germline.
Comment: Not observed at significant frequency in large population cohorts (gnomAD); In silico analysis suggests that this variant does not alter splicing; Has not been previously published as pathogenic or benign to our knowledge